The following is an entry in ClinVar:

NM_058216.3(RAD51C):c.1042_1043del (p.Asp348fs)

Gene: RAD51C (RAD51 paralog C; plus strand). Cytogenetic location: 17q22.
Variant type: Microsatellite.
Coding change: c.1042_1043del on transcript NM_058216.3 (MANE Select); coding-DNA positions 1042 to 1043, 2 bases deleted (GA; older notation c.1042_1043delGA).
Protein change: p.Asp348fs; shifts the reading frame from aspartic acid 348.
Molecular consequence: frameshift variant. On other transcripts: non-coding transcript variant (1).
Genome position (GRCh38, 1-based): chr17:58,734,133-58,734,134, GA deleted; deleting any 2 consecutive bases within chr17:58,734,130-58,734,134 gives the same sequence; the c. name uses the placement nearest the transcript's 3' end. VCF-style (leftmost placement, unchanged base first): chr17-58734129-TAG-T. GRCh37 (hg19) VCF-style: chr17-56811490-TAG-T.
Other names: c.1042_1043delGA (NM_058216.1); short protein forms D348fs.
Identifiers: ClinVar variation 982617 (VCV000982617.4), dbSNP rs2049560192, ClinGen allele CA2267833837.

ClinVar aggregate classification (germline): Uncertain significance. Review status: criteria provided, multiple submitters, no conflicts (2 of 4 stars). 3 submissions from 3 submitters: Uncertain significance (3). Last evaluated 2026-06-09.

Conditions:
Hereditary cancer-predisposing syndrome. Also called: Tumor predisposition; Hereditary neoplastic syndrome; Neoplastic Syndromes, Hereditary; Hereditary Cancer Syndrome. Identifiers: Orphanet 140162, MedGen C0027672, MeSH D009386, MONDO:0015356.
Hereditary breast ovarian cancer syndrome. Also called: Hereditary breast and ovarian cancer; Hereditary breast and ovarian cancer syndrome (HBOC); Breast and ovarian cancer; Hereditary breast and/or ovarian cancer syndrome; Hereditary breast and ovarian cancer syndrome; BRCA1- and BRCA2-Associated Hereditary Breast and Ovarian Cancer. Identifiers: Orphanet 145, MedGen C0677776, MeSH D061325, MONDO:0003582. Disease mechanism: loss of function.
Breast-ovarian cancer, familial, susceptibility to, 3. Also called: RAD51C-Related Breast/Ovarian Cancer. Identifiers: Orphanet 145, MedGen C3150659, MONDO:0013253, OMIM 613399.

Submissions (3):

German Consortium for Hereditary Breast and Ovarian Cancer, University Hospital Cologne
Classification: Uncertain significance for Hereditary breast ovarian cancer syndrome. Last evaluated: 2026-06-09. Review status: criteria provided, single submitter. Criteria: ACMG SVI. Collection method: curation. Allele origin: germline.
Comment: This classification follows the ACMG SVI adaptation classification scheme; We chose these criteria: PVS1 (medium pathogenic): no NMD, but affecting NLS at amino acids 366-370, PS3 (medium pathogenic): Olvera-León (2024, PMID: 39299233): FAST DEPLETED, PM2 (supporting pathogenic): Absent from gnomAD v2/3/4

Ambry Genetics
Classification: Uncertain significance for Hereditary cancer-predisposing syndrome. Last evaluated: 2023-04-03. Review status: criteria provided, single submitter. Criteria: Ambry Variant Classification Scheme 2023. Collection method: clinical testing. Allele origin: germline.
Comment: The c.1042_1043delGA variant, located in coding exon 9 of the RAD51C gene, results from a deletion of two nucleotides at nucleotide positions 1042 to 1043, causing a translational frameshift with a predicted alternate stop codon (p.D348Yfs*44). This alteration occurs at the 3' terminus of the RAD51C gene, is not expected to trigger nonsense-mediated mRNAdecay and results in the elongation of the protein by 14 amino acids. This frameshift impacts the last 28amino acids of the native protein. The exact functional effect of the altered amino acids is unknown. Since supporting evidence is limited at this time, the clinical significance of this alteration remains unclear.

Institute of Human Genetics, University of Leipzig Medical Center
Classification: Uncertain significance for Breast-ovarian cancer, familial, susceptibility to, 3. Last evaluated: 2019-01-01. Review status: criteria provided, single submitter. Criteria: ACMG Guidelines, 2015. Collection method: clinical testing. Allele origin: unknown. Affected: yes.